The following is an entry in ClinVar:

ClinVar aggregate classification (germline): Uncertain significance (1 of 4 stars; one submission).

Conditions:
Combined immunodeficiency due to DOCK8 deficiency (HIES2). Also called: HYPER-IgE SYNDROME 2, AUTOSOMAL RECESSIVE, WITH RECURRENT INFECTIONS; HYPER-IgE RECURRENT INFECTION SYNDROME 2, AUTOSOMAL RECESSIVE; HIES autosomal recessive; Hyper-IgE recurrent infection syndrome, autosomal recessive; DOCK8 Deficiency. Identifiers: Orphanet 217390, MedGen C4722305, MONDO:0009478, OMIM 243700.

gnomAD v4.1: 1 of 1,614,212 alleles (0.000062%); highest among the groups gnomAD compares: Middle Eastern, 0.016%; no homozygotes.

Submission:

Labcorp Genetics (formerly Invitae), Labcorp
Classification: Uncertain significance for Combined immunodeficiency due to DOCK8 deficiency. Last evaluated: 2025-03-29. Review status: criteria provided, single submitter. Criteria: Invitae Variant Classification Sherloc (09022015). Collection method: clinical testing. Allele origin: germline.
Comment: This sequence change replaces histidine, which is basic and polar, with aspartic acid, which is acidic and polar, at codon 1762 of the DOCK8 protein (p.His1762Asp). This variant is not present in population databases (gnomAD no frequency). This variant has not been reported in the literature in individuals affected with DOCK8-related conditions. Invitae Evidence Modeling of protein sequence and biophysical properties (such as structural, functional, and spatial information, amino acid conservation, physicochemical variation, residue mobility, and thermodynamic stability) has been performed for this missense variant. However, the output from this modeling did not meet the statistical confidence thresholds required to predict the impact of this variant on DOCK8 protein function. In summary, the available evidence is currently insufficient to determine the role of this variant in disease. Therefore, it has been classified as a Variant of Uncertain Significance.

NM_203447.4(DOCK8):c.5284C>G (p.His1762Asp)

Gene: DOCK8 (dedicator of cytokinesis 8; plus strand). Cytogenetic location: 9p24.3.
Variant type: single nucleotide variant.
Coding change: c.5284C>G on transcript NM_203447.4 (MANE Select); coding-DNA position 5284, C replaced by G.
Protein change: p.His1762Asp; replaces histidine 1762 with aspartic acid.
Molecular consequence: missense variant.
Genome position (GRCh38, 1-based): chr9:441,346, C>G. VCF-style: chr9-441346-C-G. GRCh37 (hg19) VCF-style: chr9-441346-C-G.
Other names: c.4984C>G, p.His1662Asp (NM_001190458.2); c.5080C>G, p.His1694Asp (NM_001193536.2); short protein forms H1662D, H1762D, H1694D.
Identifiers: ClinVar variation 4690707 (VCV004690707.1).